The following is an entry in ClinVar:

ClinVar aggregate classification (germline): Conflicting classifications of pathogenicity. Review status: criteria provided, conflicting classifications (1 of 4 stars). 10 submissions from 10 submitters: Uncertain significance (4); Likely benign (5). 1 of the submissions does not count toward it. Last evaluated 2026-04-25.

Conditions:
TSC2-related disorder. Also called: TSC2-Related Disorders; TSC2-related condition.
Hereditary cancer-predisposing syndrome. Also called: Hereditary Cancer Syndrome; Neoplastic Syndromes, Hereditary; Hereditary neoplastic syndrome; Tumor predisposition. Identifiers: Orphanet 140162, MedGen C0027672, MeSH D009386, MONDO:0015356.
Tuberous sclerosis syndrome (TSC). Also called: Tuberous Sclerosis Complex; Tuberous sclerosis. Identifiers: Orphanet 805, MedGen C0041341, MONDO:0001734.
Tuberous sclerosis 2 (TSC2). Identifiers: Orphanet 805, MedGen C1860707, MONDO:0013199, OMIM 613254.

Allele frequency attached by ClinVar (database versions not stated): gnomAD 0.00001; ExAC 0.00002; TOPMed 0.00002; gnomAD exomes 0.00003.

Submissions (10):

PreventionGenetics, part of Exact Sciences
Classification: Likely benign for TSC2-related condition. Last evaluated: 2026-04-25. Review status: criteria provided, single submitter. Criteria: ACMG Guidelines, 2015. Collection method: clinical testing. Allele origin: germline.
Comment: This variant is classified as likely benign based on ACMG/AMP sequence variant interpretation guidelines (Richards et al. 2015 PMID: 25741868, with internal and published modifications).

Labcorp Genetics (formerly Invitae), Labcorp
Classification: Likely benign for Tuberous sclerosis 2. Last evaluated: 2025-11-14. Review status: criteria provided, single submitter. Criteria: Invitae Variant Classification Sherloc (09022015). Collection method: clinical testing. Allele origin: germline.

Color Diagnostics, LLC DBA Color Health
Classification: Uncertain significance for Tuberous sclerosis syndrome. Last evaluated: 2025-09-04. Review status: criteria provided, single submitter. Criteria: ACMG Guidelines, 2015. Collection method: clinical testing. Allele origin: germline.
Comment: This missense variant replaces arginine with histidine at codon 585 of the TSC2 protein. Computational prediction suggests that this variant may have deleterious impact on protein structure and function. To our knowledge, functional studies have not been reported for this variant. This variant has been reported in individuals affected with tuberous sclerosis complex (PMID: 22490766). This variant has been identified in 8/250840 chromosomes in the general population by the Genome Aggregation Database (gnomAD). The available evidence is insufficient to determine the role of this variant in disease conclusively. Therefore, this variant is classified as a Variant of Uncertain Significance.

Myriad Genetics, Inc.
Classification: Likely benign for Tuberous sclerosis 2. Last evaluated: 2024-06-24. Review status: criteria provided, single submitter. Criteria: Myriad Autosomal Dominant, Autosomal Recessive and X-Linked Classification Criteria (2023). Collection method: clinical testing. Allele origin: unknown.
Comment: This variant is considered likely benign. This variant has been observed at a population frequency that is significantly greater than expected given the associated disease prevalence and penetrance.

All of Us Research Program, National Institutes of Health
Classification: Uncertain significance for Tuberous sclerosis syndrome. Last evaluated: 2023-08-15. Review status: criteria provided, single submitter. Criteria: ACMG Guidelines, 2015. Collection method: clinical testing. Allele origin: germline. Inheritance: Autosomal dominant inheritance. Observed: 5 variant alleles, 5 heterozygotes.
Comment: This missense variant replaces arginine with histidine at codon 585 of the TSC2 protein. Computational prediction suggests that this variant may have deleterious impact on protein structure and function (internally defined REVEL score threshold >= 0.7, PMID: 27666373). To our knowledge, functional studies have not been reported for this variant. This variant was reported in an individual affected with tuberous sclerosis complex (PMID: 22490766). This variant has been identified in 8/250840 chromosomes in the general population by the Genome Aggregation Database (gnomAD). The available evidence is insufficient to determine the role of this variant in disease conclusively. Therefore, this variant is classified as a Variant of Uncertain Significance.

This study involves interpretation of variants in research participants for the purpose of population health screening. Participant phenotype was not available at the time of variant classification. Additional details can be found in publication PMID: 35346344, PMCID: PMC8962531

Revvity Omics, Revvity
Classification: Uncertain significance for Tuberous sclerosis 2. Last evaluated: 2023-06-20. Review status: criteria provided, single submitter. Criteria: ACMG Guidelines, 2015. Collection method: clinical testing. Allele origin: germline.

Sema4
Classification: Uncertain significance for Hereditary cancer-predisposing syndrome. Last evaluated: 2022-02-07. Review status: criteria provided, single submitter. Criteria: Sema4 Curation Guidelines. Collection method: curation. Allele origin: germline.
Comment: The TSC2 c.1754G>A (p.R585H) variant has not been reported in the literature to our knowledge. It was observed in 4/18382 chromosomes of the East Asian (EAS) subpopulation in the large and broad cohorts of the Genome Aggregation Database (PMID: 32461654). This variant has been reported in ClinVar (Variation ID 65084). In silico tools suggest the impact of the variant on protein function is deleterious, though these predictions have not been confirmed by functional studies. The evidence is insufficient to meet ACMG/AMP criteria for classifying the variant as benign or pathogenic. Thus, the clinical significance of this variant is currently uncertain.

Genome-Nilou Lab
Classification: Likely benign for Tuberous sclerosis 2. Last evaluated: 2021-11-07. Review status: criteria provided, single submitter. Criteria: ACMG Guidelines, 2015. Collection method: clinical testing. Allele origin: germline. Affected: no.

Ambry Genetics
Classification: Likely benign for Hereditary cancer-predisposing syndrome. Last evaluated: 2021-01-28. Review status: criteria provided, single submitter. Criteria: Ambry Variant Classification Scheme 2023. Collection method: clinical testing. Allele origin: germline.

Tuberous sclerosis database (TSC2)
No classification provided. Condition: TSC. Review status: no classification provided. Criteria: Tuberous Sclerosis Database Assertion Criteria 2015. Collection method: curation. Allele origin: germline. Affected: yes. Not counted in ClinVar's aggregate classification.

Literature cited by the submitters: PubMed 22490766 (cited by Color Diagnostics, LLC DBA Color Health and All of Us Research Program, National Institutes of Health); PubMed 32382396 (cited by Ambry Genetics).

NM_000548.5(TSC2):c.1754G>A (p.Arg585His)

Gene: TSC2 (TSC complex subunit 2; plus strand). Cytogenetic location: 16p13.3.
Variant type: single nucleotide variant.
Coding change: c.1754G>A on transcript NM_000548.5 (MANE Select); coding-DNA position 1754, G replaced by A.
Protein change: p.Arg585His; replaces arginine 585 with histidine.
Molecular consequence: missense variant.
Genome position (GRCh38, 1-based): chr16:2,070,493, G>A. VCF-style: chr16-2070493-G-A. GRCh37 (hg19) VCF-style: chr16-2120494-G-A.
Other names: c.1754G>A, p.Arg585His (NM_001077183.3, NM_001114382.3, NM_001363528.2 and 3 more transcripts); c.1643G>A, p.Arg548His (NM_001318827.2); c.1607G>A, p.Arg536His (NM_001318829.2); c.1154G>A, p.Arg385His (NM_001318831.2); c.1787G>A, p.Arg596His (NM_001318832.2); c.1754G>A (NM_000548.4); short protein forms R585H, R385H, R536H, R548H, R596H.
Identifiers: ClinVar variation 65084 (VCV000065084.23), dbSNP rs397515063, ClinGen allele CA015651.